The following is an entry in ClinVar:

ClinVar aggregate classification (germline): Uncertain significance (1 of 4 stars; one submission).

gnomAD v4.1: 14 of 1,613,242 alleles (0.00087%); highest among the groups gnomAD compares: Non-Finnish European, 0.001%; no homozygotes.

Submission:

GeneDx
Classification: Uncertain significance. Last evaluated: 2023-12-13. Review status: criteria provided, single submitter. Criteria: GeneDx Variant Classification Process June 2021. Collection method: clinical testing. Allele origin: germline. Affected: yes.
Comment: Not observed at significant frequency in large population cohorts (gnomAD); In silico analysis supports that this missense variant has a deleterious effect on protein structure/function; Has not been previously published as pathogenic or benign to our knowledge

NM_000110.4(DPYD):c.2777G>A (p.Gly926Glu)

Gene: DPYD (dihydropyrimidine dehydrogenase; minus strand). Cytogenetic location: 1p21.3.
Variant type: single nucleotide variant.
Coding change: c.2777G>A on transcript NM_000110.4 (MANE Select); coding-DNA position 2777, G replaced by A.
Protein change: p.Gly926Glu; replaces glycine 926 with glutamic acid.
Molecular consequence: missense variant.
Genome position (GRCh38, 1-based): chr1:97,082,460, C>T on the plus strand (G>A on the coding strand, the complement: DPYD is on the minus strand). VCF-style: chr1-97082460-C-T. GRCh37 (hg19) VCF-style: chr1-97548016-C-T.
Other names: short protein forms G926E.
Identifiers: ClinVar variation 3364660 (VCV003364660.1).